The following is an entry in ClinVar:

ClinVar aggregate classification (germline): Uncertain significance (1 of 4 stars; one submission).

Conditions:
Ehlers-Danlos syndrome, dermatosparaxis type. Also called: Dermatosparaxis; Ehlers-Danlos syndrome, type VII, autosomal recessive; EDS VIIC. Identifiers: Orphanet 1901, MedGen C2700425, MONDO:0009161, OMIM 225410.

Allele frequency attached by ClinVar (database versions not stated): gnomAD exomes below 0.00001.
gnomAD v4.1: 2 of 1,596,078 alleles (0.00013%); highest among the groups gnomAD compares: Non-Finnish European, 0.00017%; no homozygotes.

Submission:

Labcorp Genetics (formerly Invitae), Labcorp
Classification: Uncertain significance for Ehlers-Danlos syndrome, dermatosparaxis type. Last evaluated: 2021-09-01. Review status: criteria provided, single submitter. Criteria: Invitae Variant Classification Sherloc (09022015). Collection method: clinical testing. Allele origin: germline.
Comment: This sequence change replaces arginine with leucine at codon 147 of the ADAMTS2 protein (p.Arg147Leu). The arginine residue is highly conserved and there is a moderate physicochemical difference between arginine and leucine. This variant is not present in population databases (ExAC no frequency). This variant has not been reported in the literature in individuals affected with ADAMTS2-related conditions. Algorithms developed to predict the effect of missense changes on protein structure and function are either unavailable or do not agree on the potential impact of this missense change (SIFT: "Deleterious"; PolyPhen-2: "Possibly Damaging"; Align-GVGD: "Class C0"). In summary, the available evidence is currently insufficient to determine the role of this variant in disease. Therefore, it has been classified as a Variant of Uncertain Significance.

NM_014244.5(ADAMTS2):c.440G>T (p.Arg147Leu)

Gene: ADAMTS2 (ADAM metallopeptidase with thrombospondin type 1 motif 2; minus strand). Cytogenetic location: 5q35.3.
Variant type: single nucleotide variant.
Coding change: c.440G>T on transcript NM_014244.5 (MANE Select); coding-DNA position 440, G replaced by T.
Protein change: p.Arg147Leu; replaces arginine 147 with leucine.
Molecular consequence: missense variant.
Genome position (GRCh38, 1-based): chr5:179,343,861, C>A on the plus strand (G>T on the coding strand, the complement: ADAMTS2 is on the minus strand). VCF-style: chr5-179343861-C-A. GRCh37 (hg19) VCF-style: chr5-178770862-C-A.
Other names: c.440G>T, p.Arg147Leu (NM_021599.4); short protein forms R147L.
Identifiers: ClinVar variation 950582 (VCV000950582.7), dbSNP rs1003741366, ClinGen allele CA133085752.